The following is an entry in ClinVar:

NM_002103.5(GYS1):c.1493G>A (p.Arg498His)

Gene: GYS1 (glycogen synthase 1; minus strand). Cytogenetic location: 19q13.33.
Variant type: single nucleotide variant.
Coding change: c.1493G>A on transcript NM_002103.5 (MANE Select); coding-DNA position 1493, G replaced by A.
Protein change: p.Arg498His; replaces arginine 498 with histidine.
Molecular consequence: missense variant. On other transcripts: non-coding transcript variant (1).
Genome position (GRCh38, 1-based): chr19:48,974,269, C>T on the plus strand (G>A on the coding strand, the complement: GYS1 is on the minus strand). VCF-style: chr19-48974269-C-T. GRCh37 (hg19) VCF-style: chr19-49477526-C-T.
Other names: c.1301G>A, p.Arg434His (NM_001161587.2); short protein forms R498H, R434H.
Identifiers: ClinVar variation 1511177 (VCV001511177.6), dbSNP rs757918424, ClinGen allele CA9562931.

ClinVar aggregate classification (germline): Uncertain significance. Review status: criteria provided, multiple submitters, no conflicts (2 of 4 stars). 3 submissions from 3 submitters: Uncertain significance (3). Last evaluated 2025-05-23.

Conditions:
Inborn genetic diseases. Identifiers: MedGen C0950123, MeSH D030342.
Glycogen storage disease due to muscle and heart glycogen synthase deficiency. Also called: GSD 0b; MUSCLE GLYCOGEN SYNTHASE DEFICIENCY. Identifiers: Orphanet 137625, MedGen C1969054, MONDO:0012693, OMIM 611556.

Allele frequency attached by ClinVar (database versions not stated): gnomAD exomes below 0.00001 and 0.00001; TOPMed below 0.00001; ExAC 0.00001; gnomAD 0.00001.

Submissions (3):

Ambry Genetics
Classification: Uncertain significance for Inborn genetic diseases. Last evaluated: 2025-05-23. Review status: criteria provided, single submitter. Criteria: Ambry Variant Classification Scheme 2023. Collection method: clinical testing. Allele origin: germline.

GeneDx
Classification: Uncertain significance. Last evaluated: 2022-06-28. Review status: criteria provided, single submitter. Criteria: GeneDx Variant Classification Process June 2021. Collection method: clinical testing. Allele origin: germline. Affected: yes.
Comment: Not observed at significant frequency in large population cohorts (gnomAD); In silico analysis supports that this missense variant has a deleterious effect on protein structure/function; Has not been previously published as pathogenic or benign to our knowledge

Labcorp Genetics (formerly Invitae), Labcorp
Classification: Uncertain significance for Glycogen storage disease due to muscle and heart glycogen synthase deficiency. Last evaluated: 2021-07-29. Review status: criteria provided, single submitter. Criteria: Invitae Variant Classification Sherloc (09022015). Collection method: clinical testing. Allele origin: germline.
Comment: This sequence change replaces arginine with histidine at codon 498 of the GYS1 protein (p.Arg498His). The arginine residue is highly conserved and there is a small physicochemical difference between arginine and histidine. This variant is present in population databases (rs757918424, ExAC 0.01%). This variant has not been reported in the literature in individuals affected with GYS1-related conditions. Algorithms developed to predict the effect of missense changes on protein structure and function (SIFT, PolyPhen-2, Align-GVGD) all suggest that this variant is likely to be disruptive. In summary, the available evidence is currently insufficient to determine the role of this variant in disease. Therefore, it has been classified as a Variant of Uncertain Significance.